The following is an entry in ClinVar:

ClinVar aggregate classification (germline): Uncertain significance (1 of 4 stars; one submission).

Conditions:
Progressive sclerosing poliodystrophy (MTDPS4A). Also called: ALPERS PROGRESSIVE INFANTILE POLIODYSTROPHY; NEURONAL DEGENERATION OF CHILDHOOD WITH LIVER DISEASE, PROGRESSIVE; Alpers Syndrome; ALPERS DIFFUSE DEGENERATION OF CEREBRAL GRAY MATTER WITH HEPATIC CIRRHOSIS; Alpers-Huttenlocher Syndrome; Mitochondrial DNA depletion syndrome 4A (Alpers type). Identifiers: Orphanet 726, MedGen C0205710, MONDO:0008758, OMIM 203700.

Submission:

Labcorp Genetics (formerly Invitae), Labcorp
Classification: Uncertain significance for Progressive sclerosing poliodystrophy. Last evaluated: 2021-07-02. Review status: criteria provided, single submitter. Criteria: Invitae Variant Classification Sherloc (09022015). Collection method: clinical testing. Allele origin: germline.
Comment: This variant has not been reported in the literature in individuals affected with POLG-related conditions. This sequence change replaces valine with alanine at codon 1043 of the POLG protein (p.Val1043Ala). The valine residue is moderately conserved and there is a small physicochemical difference between valine and alanine. This variant is not present in population databases (ExAC no frequency). Algorithms developed to predict the effect of missense changes on protein structure and function (SIFT, PolyPhen-2, Align-GVGD) all suggest that this variant is likely to be disruptive. In summary, the available evidence is currently insufficient to determine the role of this variant in disease. Therefore, it has been classified as a Variant of Uncertain Significance.

NM_002693.3(POLG):c.3128T>C (p.Val1043Ala)

Gene: POLG (DNA polymerase gamma, catalytic subunit; minus strand). Cytogenetic location: 15q26.1.
Variant type: single nucleotide variant.
Coding change: c.3128T>C on transcript NM_002693.3 (MANE Select); coding-DNA position 3128, T replaced by C.
Protein change: p.Val1043Ala; replaces valine 1043 with alanine.
Molecular consequence: missense variant.
Genome position (GRCh38, 1-based): chr15:89,319,076, A>G on the plus strand (T>C on the coding strand, the complement: POLG is on the minus strand). VCF-style: chr15-89319076-A-G. GRCh37 (hg19) VCF-style: chr15-89862307-A-G.
Other names: c.3128T>C, p.Val1043Ala (NM_001126131.2); short protein forms V1043A.
Identifiers: ClinVar variation 1436510 (VCV001436510.8), dbSNP rs1309234992, ClinGen allele CA393751127.